The following is an entry in ClinVar:

ClinVar aggregate classification (germline): Conflicting classifications of pathogenicity. Review status: criteria provided, conflicting classifications (1 of 4 stars). 2 submissions from 2 submitters: Uncertain significance (1); Likely benign (1). Last evaluated 2020-09-15.

Conditions:
Autosomal dominant nonsyndromic hearing loss 5. Identifiers: Orphanet 90635, MedGen C1832932, MONDO:0010973, OMIM 600994.

Submissions (2):

GeneDx
Classification: Likely benign. Last evaluated: 2020-09-15. Review status: criteria provided, single submitter. Criteria: GeneDx Variant Classification Process June 2021. Collection method: clinical testing. Allele origin: germline. Affected: yes.
Comment: Frameshift variant predicted to result in protein truncation or nonsense mediated decay in a gene for which loss-of-function is not a known mechanism of disease; Has not been previously published as pathogenic or benign to our knowledge

Soonchunhyang University Bucheon Hospital, Soonchunhyang University Medical Center
Classification: Uncertain significance for Autosomal dominant nonsyndromic hearing loss 5. Last evaluated: 2016-03-18. Review status: criteria provided, single submitter. Criteria: ACMG Guidelines, 2015. Collection method: reference population. Allele origin: germline. Observed: 2 variant alleles.

Literature cited by the submitters: PubMed 17868390 (cited by Soonchunhyang University Bucheon Hospital, Soonchunhyang University Medical Center).

NM_001127453.2(GSDME):c.1193_1196dup (p.Ser399delinsArgTer)

Gene: GSDME (gasdermin E; minus strand). Cytogenetic location: 7p15.3.
Variant type: Duplication.
Coding change: c.1193_1196dup on transcript NM_001127453.2 (MANE Select); coding-DNA positions 1193 to 1196, 4 bases duplicated (ATAG; older notation c.1193_1196dupATAG).
Protein change: p.Ser399delinsArgTer.
Molecular consequence: nonsense.
Genome position (GRCh38, 1-based): chr7:24,702,821-24,702,824, CTAT duplicated on the plus strand (ATAG on the coding strand, the reverse complement: GSDME is on the minus strand); duplicating any 4 consecutive bases within chr7:24,702,821-24,702,826 gives the same sequence; the c. name uses the placement nearest the transcript's 3' end. VCF-style (leftmost placement, unchanged base first): chr7-24702820-G-GCTAT. GRCh37 (hg19) VCF-style: chr7-24742439-G-GCTAT.
Other names: c.701_704dup, p.Ser235delinsArgTer (NM_001127454.2); c.1193_1196dup, p.Ser399delinsArgTer (NM_004403.3); c.1193_1196dupATAG (NM_004403.2).
Identifiers: ClinVar variation 225338 (VCV000225338.8), dbSNP rs757421220, ClinGen allele CA4191361.